The following is an entry in ClinVar:

NM_000038.6(APC):c.5834C>A (p.Ala1945Glu)

Gene: APC (APC regulator of Wnt signaling pathway; plus strand). Cytogenetic location: 5q22.2.
Variant type: single nucleotide variant.
Coding change: c.5834C>A on transcript NM_000038.6 (MANE Select); coding-DNA position 5834, C replaced by A.
Protein change: p.Ala1945Glu; replaces alanine 1945 with glutamic acid.
Molecular consequence: missense variant.
Genome position (GRCh38, 1-based): chr5:112,841,428, C>A. VCF-style: chr5-112841428-C-A. GRCh37 (hg19) VCF-style: chr5-112177125-C-A.
Other names: c.5834C>A, p.Ala1945Glu (NM_001127510.3, NM_001354895.2, NM_001407450.1); c.5780C>A, p.Ala1927Glu (NM_001127511.3); c.5888C>A, p.Ala1963Glu (NM_001354896.2, NM_001407447.1, NM_001407448.1 and 1 more transcripts); c.5864C>A, p.Ala1955Glu (NM_001354897.2); c.5759C>A, p.Ala1920Glu (NM_001354898.2); c.5750C>A, p.Ala1917Glu (NM_001354899.2); c.5711C>A, p.Ala1904Glu (NM_001354900.2); c.5657C>A, p.Ala1886Glu (NM_001354901.2, NM_001407453.1); and 11 more; short protein forms A1816E, A1844E, A1862E, A1927E, A1935E, A1955E, A1785E, A1973E.
Identifiers: ClinVar variation 1749984 (VCV001749984.2), dbSNP rs1766060950, ClinGen allele CA16034093.

ClinVar aggregate classification (germline): Uncertain significance (1 of 4 stars; one submission).

Conditions:
Hereditary cancer-predisposing syndrome. Also called: Hereditary Cancer Syndrome; Hereditary neoplastic syndrome; Neoplastic Syndromes, Hereditary; Tumor predisposition. Identifiers: Orphanet 140162, MedGen C0027672, MeSH D009386, MONDO:0015356.

Submission:

Ambry Genetics
Classification: Uncertain significance for Hereditary cancer-predisposing syndrome. Last evaluated: 2021-06-22. Review status: criteria provided, single submitter. Criteria: Ambry Variant Classification Scheme 2023. Collection method: clinical testing. Allele origin: germline.
Comment: The p.A1945E variant (also known as c.5834C>A), located in coding exon 15 of the APC gene, results from a C to A substitution at nucleotide position 5834. The alanine at codon 1945 is replaced by glutamic acid, an amino acid with dissimilar properties. This amino acid position is not well conserved in available vertebrate species. In addition, in silico predictors for this gene do not accurately predict pathogenicity. Since supporting evidence is limited at this time, the clinical significance of this alteration remains unclear.